The following is an entry in ClinVar:

ClinVar aggregate classification (germline): Uncertain significance (1 of 4 stars; one submission).

Conditions:
Perlman syndrome (PRLMNS). Identifiers: Orphanet 2849, MedGen C0796113, MONDO:0009965, OMIM 267000.

Submission:

Labcorp Genetics (formerly Invitae), Labcorp
Classification: Uncertain significance for Perlman syndrome. Last evaluated: 2024-04-10. Review status: criteria provided, single submitter. Criteria: Invitae Variant Classification Sherloc (09022015). Collection method: clinical testing. Allele origin: germline.
Comment: This sequence change replaces leucine, which is neutral and non-polar, with serine, which is neutral and polar, at codon 106 of the DIS3L2 protein (p.Leu106Ser). This variant is not present in population databases (gnomAD no frequency). This variant has not been reported in the literature in individuals affected with DIS3L2-related conditions. ClinVar contains an entry for this variant (Variation ID: 943562). Advanced modeling of protein sequence and biophysical properties (such as structural, functional, and spatial information, amino acid conservation, physicochemical variation, residue mobility, and thermodynamic stability) performed at Invitae indicates that this missense variant is expected to disrupt DIS3L2 protein function with a positive predictive value of 80%. In summary, the available evidence is currently insufficient to determine the role of this variant in disease. Therefore, it has been classified as a Variant of Uncertain Significance.

NM_152383.5(DIS3L2):c.317T>C (p.Leu106Ser)

Gene: DIS3L2 (DIS3 like 3'-5' exoribonuclease 2; plus strand). Cytogenetic location: 2q37.1.
Variant type: single nucleotide variant.
Coding change: c.317T>C on transcript NM_152383.5 (MANE Select); coding-DNA position 317, T replaced by C.
Protein change: p.Leu106Ser; replaces leucine 106 with serine.
Molecular consequence: missense variant. On other transcripts: non-coding transcript variant (2).
Genome position (GRCh38, 1-based): chr2:232,030,031, T>C. VCF-style: chr2-232030031-T-C. GRCh37 (hg19) VCF-style: chr2-232894741-T-C.
Other names: c.317T>C, p.Leu106Ser (NM_001257281.2, NM_001257282.2); short protein forms L106S.
Identifiers: ClinVar variation 943562 (VCV000943562.9), dbSNP rs1694762165, ClinGen allele CA351152952.